The following is an entry in ClinVar:

ClinVar aggregate classification (germline): Uncertain significance. Review status: criteria provided, multiple submitters, no conflicts (2 of 4 stars). 2 submissions from 2 submitters: Uncertain significance (2). Last evaluated 2022-08-03.

Conditions:
Autosomal recessive ataxia, Beauce type. Also called: Spinocerebellar ataxia, autosomal recessive 8; ATAXIA, RECESSIVE, OF BEAUCE; SYNE1-Related Autosomal Recessive Cerebellar Ataxia; SYNE1 Deficiency. Identifiers: Orphanet 88644, MedGen C1853116, MONDO:0012549, OMIM 610743.
Emery-Dreifuss muscular dystrophy 4, autosomal dominant (EDMD4). Also called: EMERY-DREIFUSS MUSCULAR DYSTROPHY 4 WITH VARIABLE FEATURES. Identifiers: Orphanet 261, MedGen C2751807, MONDO:0013071, OMIM 612998.

Allele frequency attached by ClinVar (database versions not stated): gnomAD 0.00001; TOPMed 0.00002.
gnomAD v4.1: 2 of 1,614,100 alleles (0.00012%); highest among the groups gnomAD compares: Non-Finnish European, 0.00017%; no homozygotes.

Submissions (2):

Labcorp Genetics (formerly Invitae), Labcorp
Classification: Uncertain significance for Emery-Dreifuss muscular dystrophy 4, autosomal dominant; Autosomal recessive ataxia, Beauce type. Last evaluated: 2022-08-03. Review status: criteria provided, single submitter. Criteria: Invitae Variant Classification Sherloc (09022015). Collection method: clinical testing. Allele origin: germline.
Comment: In summary, the available evidence is currently insufficient to determine the role of this variant in disease. Therefore, it has been classified as a Variant of Uncertain Significance. Algorithms developed to predict the effect of sequence changes on RNA splicing suggest that this variant may disrupt the consensus splice site. Algorithms developed to predict the effect of missense changes on protein structure and function (SIFT, PolyPhen-2, Align-GVGD) all suggest that this variant is likely to be tolerated. This variant has not been reported in the literature in individuals affected with SYNE1-related conditions. This variant is not present in population databases (gnomAD no frequency). This sequence change replaces asparagine, which is neutral and polar, with aspartic acid, which is acidic and polar, at codon 5947 of the SYNE1 protein (p.Asn5947Asp).

Revvity Omics, Revvity
Classification: Uncertain significance. Last evaluated: 2021-10-12. Review status: criteria provided, single submitter. Criteria: ACMG Guidelines, 2015. Collection method: clinical testing. Allele origin: germline.

NM_182961.4(SYNE1):c.18052A>G (p.Asn6018Asp)

Gene: SYNE1 (spectrin repeat containing nuclear envelope protein 1; minus strand). Cytogenetic location: 6q25.2.
Variant type: single nucleotide variant.
Coding change: c.18052A>G on transcript NM_182961.4 (MANE Select); coding-DNA position 18052, A replaced by G.
Protein change: p.Asn6018Asp; replaces asparagine 6018 with aspartic acid.
Molecular consequence: missense variant.
Genome position (GRCh38, 1-based): chr6:152,284,133, T>C on the plus strand (A>G on the coding strand, the complement: SYNE1 is on the minus strand). VCF-style: chr6-152284133-T-C. GRCh37 (hg19) VCF-style: chr6-152605268-T-C.
Other names: c.17839A>G, p.Asn5947Asp (NM_033071.5); short protein forms N5947D, N6018D.
Identifiers: ClinVar variation 2414447 (VCV002414447.10), dbSNP rs1279972048, ClinGen allele CA366097602.